The following is an entry in ClinVar:

ClinVar aggregate classification (germline): Pathogenic (1 of 4 stars; one submission).

Submission:

Athena Diagnostics
Classification: Pathogenic. Last evaluated: 2021-06-24. Review status: criteria provided, single submitter. Criteria: Athena Diagnostics Criteria. Collection method: clinical testing. Allele origin: unknown.
Comment: This variant is expected to result in the loss of a functional protein. This variant has not been reported in large, multi-ethnic general populations. This variant has been identified in at least one individual tested at Athena Diagnostics with clinical features associated with this gene.

NM_182961.4(SYNE1):c.23869del (p.Cys7957fs)

Gene: SYNE1 (spectrin repeat containing nuclear envelope protein 1; minus strand). Cytogenetic location: 6q25.2.
Variant type: Deletion.
Coding change: c.23869del on transcript NM_182961.4 (MANE Select); coding-DNA position 23869, one base deleted (T; older notation c.23869delT).
Protein change: p.Cys7957fs; shifts the reading frame from cysteine 7957.
Molecular consequence: frameshift variant.
Genome position (GRCh38, 1-based): chr6:152,156,019, A deleted on the plus strand (T on the coding strand, the reverse complement: SYNE1 is on the minus strand). VCF-style (leftmost placement, unchanged base first): chr6-152156018-CA-C. GRCh37 (hg19) VCF-style: chr6-152477153-CA-C.
Other names: c.475del, p.Cys159fs (NM_001347701.2); c.334del, p.Cys112fs (NM_001347702.2); c.23656del, p.Cys7886fs (NM_033071.5); short protein forms C112fs, C159fs, C7886fs, C7957fs.
Identifiers: ClinVar variation 1807162 (VCV001807162.1), dbSNP rs2550289323, ClinGen allele CA2580075223.